The following is an entry in ClinVar:

ClinVar aggregate classification (germline): Uncertain significance (1 of 4 stars; one submission).

Conditions:
Leigh syndrome (NULS). Also called: Leigh's necrotizing encephalopathy; Leigh's disease; Leigh's syndrome; LEIGH SYNDROME, NUCLEAR; Leigh Syndrome (mtDNA deletion); Leigh Disease. Identifiers: Orphanet 506, MedGen C2931891, MONDO:0009723, OMIM 256000.

Submission:

Wong Mito Lab, Molecular and Human Genetics, Baylor College of Medicine
Classification: Uncertain significance for Leigh syndrome. Last evaluated: 2019-10-17. Review status: criteria provided, single submitter. Criteria: Modified ACMG Guidelines (Unpublished). Collection method: clinical testing. Allele origin: germline.
Comment: The NC_012920.1:m.14760G>A (YP_003024038.1:p.Arg5His) variant in MTCYB gene is interpretated to be a Uncertain Significance variant based on the modified ACMG guidelines (unpublished). This variant meets the following evidence codes: PP7

NC_012920.1(MT-CYB):m.14760G>A

Gene: MT-CYB (mitochondrially encoded cytochrome b; plus strand).
Variant type: single nucleotide variant.
Genome position: chrM-14760-G-A.
Identifiers: ClinVar variation 693758 (VCV000693758.1), dbSNP rs1603224860, ClinGen allele CA913172014.